The following is an entry in ClinVar:

NM_021926.4(ALX4):c.783G>T (p.Trp261Cys)

Gene: ALX4 (ALX homeobox 4; minus strand). Cytogenetic location: 11p11.2.
Variant type: single nucleotide variant.
Coding change: c.783G>T on transcript NM_021926.4 (MANE Select); coding-DNA position 783, G replaced by T.
Protein change: p.Trp261Cys; replaces tryptophan 261 with cysteine.
Molecular consequence: missense variant.
Genome position (GRCh38, 1-based): chr11:44,267,617, C>A on the plus strand (G>T on the coding strand, the complement: ALX4 is on the minus strand). VCF-style: chr11-44267617-C-A. GRCh37 (hg19) VCF-style: chr11-44289167-C-A.
Other names: short protein forms W261C.
Identifiers: ClinVar variation 2662696 (VCV002662696.1), dbSNP rs2539827537, ClinGen allele CA380182102.

ClinVar aggregate classification (germline): Uncertain significance (1 of 4 stars; one submission).

Submission:

GeneDx
Classification: Uncertain significance. Last evaluated: 2023-04-14. Review status: criteria provided, single submitter. Criteria: GeneDx Variant Classification Process June 2021. Collection method: clinical testing. Allele origin: germline. Affected: yes.
Comment: Not observed at significant frequency in large population cohorts (gnomAD); In silico analysis supports that this missense variant has a deleterious effect on protein structure/function; Has not been previously published as pathogenic or benign to our knowledge